The following is an entry in ClinVar:

ClinVar aggregate classification (germline): Conflicting classifications of pathogenicity. Review status: criteria provided, conflicting classifications (1 of 4 stars). 4 submissions from 4 submitters: Pathogenic (2); Likely pathogenic (1); Uncertain significance (1). Last evaluated 2025-12-04.

Conditions:
3MC syndrome 2. Also called: OCULO-SKELETAL-ABDOMINAL SYNDROME; OSA SYNDROME; PTOSIS OF EYELIDS WITH DIASTASIS RECTI AND HIP DYSPLASIA. Identifiers: Orphanet 293843, MedGen C0796279, MONDO:0009927, OMIM 265050.
Inborn genetic diseases. Identifiers: MedGen C0950123, MeSH D030342.

Allele frequency attached by ClinVar (database versions not stated): TOPMed 0.00010; gnomAD exomes 0.00002 and 0.00001; gnomAD 0.00013 and 0.00012; ESP Exome Variant Server 0.00032; ExAC 0.00006.

Submissions (4):

Dasa
Classification: Likely pathogenic. Last evaluated: 2025-12-04. Review status: criteria provided, single submitter. Criteria: DASA Assertion Criteria. Collection method: clinical testing. Allele origin: germline.
Comment: NM_024027.5(COLEC11):c.240_241insGA (p.Arg81Aspfs*21) is a frameshift variant in COLEC11 predicted to alter the reading frame and introduce a premature termination codon and is predicted to result in an absent or altered protein product. Loss of function is an established disease mechanism for COLEC11-associated disorders. Also, this variant is rare in population databases. Based on the currently available evidence, this variant is classified as likely pathogenic.

Laboratorio de Genetica e Diagnostico Molecular, Hospital Israelita Albert Einstein
Classification: Uncertain significance for 3MC syndrome 2. Last evaluated: 2024-08-26. Review status: criteria provided, single submitter. Criteria: ACMG Guidelines, 2015. Collection method: clinical testing. Allele origin: germline. Affected: yes.
Comment: ACMG classification criteria: PVS1 very strong

GeneDx
Classification: Pathogenic. Last evaluated: 2024-04-09. Review status: criteria provided, single submitter. Criteria: GeneDx Variant Classification Process June 2021. Collection method: clinical testing. Allele origin: germline. Affected: yes.
Comment: Frameshift variant predicted to result in protein truncation or nonsense mediated decay in a gene for which loss-of-function is a known mechanism of disease; Has not been previously published as pathogenic or benign to our knowledge

Ambry Genetics
Classification: Pathogenic for Inborn genetic diseases. Last evaluated: 2021-08-27. Review status: criteria provided, single submitter. Criteria: Ambry Variant Classification Scheme 2023. Collection method: clinical testing. Allele origin: germline.
Comment: The c.240_241insGA (p.R81Dfs*21) alteration, located in exon 4 (coding exon 3) of the COLEC11 gene, consists of an insertion of GA at position 240, causing a translational frameshift with a predicted alternate stop codon after 21 amino acids. This alteration is expected to result in loss of function by premature protein truncation or nonsense-mediated mRNA decay. Based on data from gnomAD, this allele has an overall frequency of <0.01% (11/282860) total alleles studied. The highest observed frequency was 0.04% (11/24956) of African alleles. Based on the available evidence, this alteration is classified as pathogenic.

NM_024027.5(COLEC11):c.240_241insGA (p.Arg81fs)

Gene: COLEC11 (collectin subfamily member 11; plus strand). Cytogenetic location: 2p25.3.
Variant type: Insertion.
Coding change: c.240_241insGA on transcript NM_024027.5 (MANE Select); coding-DNA positions 240 to 241, GA inserted.
Protein change: p.Arg81fs; shifts the reading frame from arginine 81.
Molecular consequence: frameshift variant. On other transcripts: non-coding transcript variant (1), intron variant (4).
Genome position: GRCh38 VCF-style: chr2-3637570-T-TGA. GRCh37 (hg19) VCF-style: chr2-3685160-T-TGA.
Other names: c.168_169insGA, p.Arg57fs (NM_001255982.2); c.282_283insGA, p.Arg95fs (NM_001255985.1); c.162_163insGA, p.Arg55fs (NM_001255986.1); c.90_91insGA, p.Arg31fs (NM_001255987.1); c.231_232insGA, p.Arg78fs (NM_199235.3); c.203-2708_203-2707insGA (NM_001255983.2); c.131-2708_131-2707insGA (NM_001255984.2); c.125-2708_125-2707insGA (NM_001255988.1); and 2 more; short protein forms R31fs, R55fs, R57fs, R78fs, R81fs, R95fs.
Identifiers: ClinVar variation 1186047 (VCV001186047.10), dbSNP rs762031914, ClinGen allele CA1516943.